The following is an entry in ClinVar:

ClinVar aggregate classification (germline): Uncertain significance (1 of 4 stars; one submission).

Conditions:
Developmental and epileptic encephalopathy. Identifiers: MedGen C5779964, MONDO:0100620.

Allele frequency attached by ClinVar (database versions not stated): gnomAD 0.00001 and 0.00002; gnomAD exomes 0.00001; TOPMed 0.00001; ExAC 0.00002.
gnomAD v4.1: 18 of 1,588,664 alleles (0.0011%); highest among the groups gnomAD compares: Non-Finnish European, 0.0015%; no homozygotes.

Submission:

Labcorp Genetics (formerly Invitae), Labcorp
Classification: Uncertain significance for Early-infantile DEE. Last evaluated: 2022-02-20. Review status: criteria provided, single submitter. Criteria: Invitae Variant Classification Sherloc (09022015). Collection method: clinical testing. Allele origin: germline.
Comment: This sequence change replaces serine, which is neutral and polar, with phenylalanine, which is neutral and non-polar, at codon 973 of the CACNA2D2 protein (p.Ser973Phe). This variant is present in population databases (rs762800194, gnomAD 0.007%). This variant has not been reported in the literature in individuals affected with CACNA2D2-related conditions. ClinVar contains an entry for this variant (Variation ID: 999817). Algorithms developed to predict the effect of missense changes on protein structure and function (SIFT, PolyPhen-2, Align-GVGD) all suggest that this variant is likely to be disruptive. In summary, the available evidence is currently insufficient to determine the role of this variant in disease. Therefore, it has been classified as a Variant of Uncertain Significance.

NM_006030.4(CACNA2D2):c.2918C>T (p.Ser973Phe)

Genes: CACNA2D2 (calcium voltage-gated channel auxiliary subunit alpha2delta 2; minus strand), LOC101928965 (uncharacterized LOC101928965; plus strand), LOC127898564 (CYB561D2-LOC101928965; plus strand). Cytogenetic location: 3p21.31.
Variant type: single nucleotide variant.
Coding change: c.2918C>T on transcript NM_006030.4 (MANE Select); coding-DNA position 2918, C replaced by T.
Protein change: p.Ser973Phe; replaces serine 973 with phenylalanine.
Molecular consequence: missense variant. On other transcripts: non-coding transcript variant (2).
Genome position (GRCh38, 1-based): chr3:50,365,686, G>A on the plus strand (C>T on the coding strand, the complement: CACNA2D2 is on the minus strand). VCF-style: chr3-50365686-G-A. GRCh37 (hg19) VCF-style: chr3-50403117-G-A.
Other names: c.2918C>T, p.Ser973Phe (NM_001005505.3); c.2939C>T, p.Ser980Phe (NM_001174051.3); c.2711C>T, p.Ser904Phe (NM_001291101.1); short protein forms S904F, S973F, S980F.
Identifiers: ClinVar variation 999817 (VCV000999817.5), dbSNP rs762800194, ClinGen allele CA2418303.